The following is an entry in ClinVar:

NM_197968.4(ZMYM2):c.4013C>T (p.Pro1338Leu)

Gene: ZMYM2 (zinc finger MYM-type containing 2; plus strand). Cytogenetic location: 13q12.11.
Variant type: single nucleotide variant.
Coding change: c.4013C>T on transcript NM_197968.4 (MANE Select); coding-DNA position 4013, C replaced by T.
Protein change: p.Pro1338Leu; replaces proline 1338 with leucine.
Molecular consequence: missense variant. On other transcripts: non-coding transcript variant (1).
Genome position (GRCh38, 1-based): chr13:20,085,893, C>T. VCF-style: chr13-20085893-C-T. GRCh37 (hg19) VCF-style: chr13-20660033-C-T.
Other names: c.4013C>T, p.Pro1338Leu (NM_001190964.4, NM_001190965.4, NM_001353157.2 and 4 more transcripts); c.3818C>T, p.Pro1273Leu (NM_001353161.3); c.3752C>T, p.Pro1251Leu (NM_001353163.2); short protein forms P1251L, P1273L, P1338L.
Identifiers: ClinVar variation 3361276 (VCV003361276.1).

ClinVar aggregate classification (germline): Uncertain significance (1 of 4 stars; one submission).

Submission:

GeneDx
Classification: Uncertain significance. Last evaluated: 2023-07-14. Review status: criteria provided, single submitter. Criteria: GeneDx Variant Classification Process June 2021. Collection method: clinical testing. Allele origin: germline. Affected: yes.
Comment: Not observed at significant frequency in large population cohorts (gnomAD); In silico analysis supports that this missense variant has a deleterious effect on protein structure/function; Has not been previously published as pathogenic or benign to our knowledge